The following is an entry in ClinVar:

NM_006614.4(CHL1):c.197+10G>C

Gene: CHL1 (cell adhesion molecule L1 like; plus strand). Cytogenetic location: 3p26.3.
Variant type: single nucleotide variant.
Coding change: c.197+10G>C on transcript NM_006614.4 (MANE Select); 10 bases into the intron after coding-DNA position 197, G replaced by C.
Molecular consequence: intron variant.
Genome position (GRCh38, 1-based): chr3:326,074, G>C. VCF-style: chr3-326074-G-C. GRCh37 (hg19) VCF-style: chr3-367757-G-C.
Other names: c.197+10G>C (NM_001253387.2, NM_001253388.1, NM_006614.3).
Identifiers: ClinVar variation 1676925 (VCV001676925.5), dbSNP rs162734, ClinGen allele CA2224239.

ClinVar aggregate classification (germline): Benign. Review status: criteria provided, multiple submitters, no conflicts (2 of 4 stars). 3 submissions from 3 submitters: Benign (2). 1 of the submissions does not count toward it. Last evaluated 2022-04-12.

Conditions:
CHL1-related disorder. Also called: CHL1-related condition.

Allele frequency attached by ClinVar (database versions not stated): ExAC 0.22673; 1000 Genomes Project 0.33167; 1000 Genomes Project 30x 0.34775; gnomAD 0.34917 and 0.36333; TOPMed 0.36706; ESP Exome Variant Server 0.38780.
gnomAD v4.1: 350,768 of 1,555,454 alleles (23%); highest among the groups gnomAD compares: African/African-American, 77%; 52,972 homozygotes.

Submissions (3):

GeneDx
Classification: Benign. Last evaluated: 2022-04-12. Review status: criteria provided, single submitter. Criteria: GeneDx Variant Classification Process June 2021. Collection method: clinical testing. Allele origin: germline. Affected: yes.

Breakthrough Genomics
Classification: Benign. Review status: criteria provided, single submitter. Criteria: ACMG Guidelines, 2015. Collection method: not provided. Allele origin: germline. Inheritance: Unknown mechanism. Affected: yes.

PreventionGenetics, part of Exact Sciences
Classification: Benign for CHL1-related condition. Last evaluated: 2019-10-21. Review status: no assertion criteria provided. Collection method: clinical testing. Allele origin: germline. Not counted in ClinVar's aggregate classification.
Comment: This variant is classified as benign based on ACMG/AMP sequence variant interpretation guidelines (Richards et al. 2015 PMID: 25741868, with internal and published modifications).